The following is an entry in ClinVar:

ClinVar aggregate classification (germline): Uncertain significance (1 of 4 stars; one submission).

Submission:

CeGaT Center for Human Genetics Tuebingen
Classification: Uncertain significance. Last evaluated: 2025-11-01. Review status: criteria provided, single submitter. Criteria: CeGaT Center For Human Genetics Tuebingen Variant Classification Criteria Version 2. Collection method: clinical testing. Allele origin: germline. Affected: yes. Observed: 1 variant allele.
Comment: DEPDC5: PM2

NM_001242896.3(DEPDC5):c.3961G>A (p.Ala1321Thr)

Gene: DEPDC5 (DEP domain containing 5, GATOR1 subcomplex subunit; plus strand). Cytogenetic location: 22q12.3.
Variant type: single nucleotide variant.
Coding change: c.3961G>A on transcript NM_001242896.3 (MANE Select); coding-DNA position 3961, G replaced by A.
Protein change: p.Ala1321Thr; replaces alanine 1321 with threonine.
Molecular consequence: missense variant. On other transcripts: non-coding transcript variant (5).
Genome position (GRCh38, 1-based): chr22:31,879,680, G>A. VCF-style: chr22-31879680-G-A. GRCh37 (hg19) VCF-style: chr22-32275666-G-A.
Other names: c.3934G>A, p.Ala1312Thr (NM_001136029.4); c.3661G>A, p.Ala1221Thr (NM_001242897.2); c.3895G>A, p.Ala1299Thr (NM_001363852.2, NM_001364320.2); c.3727G>A, p.Ala1243Thr (NM_001363854.2, NM_001364319.2); c.3961G>A, p.Ala1321Thr (NM_001364318.2); c.3877G>A, p.Ala1293Thr (NM_001369901.1, NM_001369902.1); c.3868G>A, p.Ala1290Thr (NM_001369903.1, NM_014662.6); short protein forms A1221T, A1243T, A1290T, A1293T, A1299T, A1312T, A1321T.
Identifiers: ClinVar variation 4534595 (VCV004534595.6).